The following is an entry in ClinVar:

ClinVar aggregate classification (germline): Uncertain significance (1 of 4 stars; one submission).

Conditions:
Spastic paraplegia. Identifiers: MedGen C0037772, HP:0001258.

Submission:

Labcorp Genetics (formerly Invitae), Labcorp
Classification: Uncertain significance for Spastic paraplegia. Last evaluated: 2022-07-15. Review status: criteria provided, single submitter. Criteria: Invitae Variant Classification Sherloc (09022015). Collection method: clinical testing. Allele origin: germline.
Comment: In summary, the available evidence is currently insufficient to determine the role of this variant in disease. Therefore, it has been classified as a Variant of Uncertain Significance. Advanced modeling of protein sequence and biophysical properties (such as structural, functional, and spatial information, amino acid conservation, physicochemical variation, residue mobility, and thermodynamic stability) performed at Invitae indicates that this missense variant is expected to disrupt FA2H protein function. This variant has not been reported in the literature in individuals affected with FA2H-related conditions. This variant is not present in population databases (gnomAD no frequency). This sequence change replaces tryptophan, which is neutral and slightly polar, with serine, which is neutral and polar, at codon 26 of the FA2H protein (p.Trp26Ser).

NM_024306.5(FA2H):c.77G>C (p.Trp26Ser)

Genes: FA2H (fatty acid 2-hydroxylase; minus strand), LOC130059394 (ATAC-STARR-seq lymphoblastoid silent region 7701; plus strand). Cytogenetic location: 16q23.1.
Variant type: single nucleotide variant.
Coding change: c.77G>C on transcript NM_024306.5 (MANE Select); coding-DNA position 77, G replaced by C.
Protein change: p.Trp26Ser; replaces tryptophan 26 with serine.
Molecular consequence: missense variant.
Genome position (GRCh38, 1-based): chr16:74,774,679, C>G on the plus strand (G>C on the coding strand, the complement: FA2H is on the minus strand). VCF-style: chr16-74774679-C-G. GRCh37 (hg19) VCF-style: chr16-74808577-C-G.
Other names: short protein forms W26S.
Identifiers: ClinVar variation 2153721 (VCV002153721.4), dbSNP rs1962976707, ClinGen allele CA396768465.